The following is an entry in ClinVar:

ClinVar aggregate classification (germline): Benign/Likely benign. Review status: criteria provided, multiple submitters, no conflicts (2 of 4 stars). 7 submissions from 7 submitters: Benign (4); Likely benign (2). 1 of the submissions does not count toward it. Last evaluated 2025-08-04.

Conditions:
SFTPA1-related disorder. Also called: SFTPA1-related condition.

Allele frequency attached by ClinVar (database versions not stated): 1000 Genomes Project 30x 0.43020; gnomAD exomes 0.49415 and 0.57452; ExAC 0.49418; TOPMed 0.51534; gnomAD 0.51968 and 0.52928.
gnomAD v4.1: 749,508 of 1,322,774 alleles (57%); highest among the groups gnomAD compares: Non-Finnish European, 62%; 258,923 homozygotes.

Submissions (7):

Mayo Clinic Laboratories, Mayo Clinic
Classification: Benign. Last evaluated: 2025-08-04. Review status: criteria provided, single submitter. Criteria: ACMG Guidelines, 2015. Collection method: clinical testing. Allele origin: germline. Observed: 14 variant alleles.
Comment: BA1, BS2, BP4_moderate

Blueprint Genetics
Classification: Benign. Last evaluated: 2024-11-27. Review status: criteria provided, single submitter. Criteria: ACMG Guidelines, 2015. Collection method: clinical testing. Allele origin: germline.

GeneDx
Classification: Benign. Last evaluated: 2021-06-09. Review status: criteria provided, single submitter. Criteria: GeneDx Variant Classification Process June 2021. Collection method: clinical testing. Allele origin: germline. Affected: yes.
Comment: This variant is associated with the following publications: (PMID: 13680361)

Labcorp Genetics (formerly Invitae), Labcorp
Classification: Likely benign. Last evaluated: 2019-12-31. Review status: criteria provided, single submitter. Criteria: Invitae Variant Classification Sherloc (09022015). Collection method: clinical testing. Allele origin: germline.

Laboratory for Molecular Medicine, Mass General Brigham Personalized Medicine
Classification: Benign. Last evaluated: 2015-03-12. Review status: criteria provided, single submitter. Criteria: LMM Criteria. Collection method: clinical testing. Allele origin: germline. Observed: 59 variant alleles.
Comment: p.Leu65Val in exon 3 of SFTPA1: This variant is not expected to have clinical si gnificance it has been identified in 57% (36928/65022) of European chromosomes b y the Exome Aggregation Consortium (ExAC; dbSNP rs1136450).

Breakthrough Genomics
Classification: Likely benign. Review status: criteria provided, single submitter. Criteria: ACMG Guidelines, 2015. Collection method: not provided. Allele origin: germline. Inheritance: Autosomal dominant inheritance. Affected: yes.

PreventionGenetics, part of Exact Sciences
Classification: Benign for SFTPA1-related condition. Last evaluated: 2024-05-24. Review status: no assertion criteria provided. Collection method: clinical testing. Allele origin: germline. Not counted in ClinVar's aggregate classification.
Comment: This variant is classified as benign based on ACMG/AMP sequence variant interpretation guidelines (Richards et al. 2015 PMID: 25741868, with internal and published modifications).

Literature cited by the submitters: PubMed 13680361 (cited by Mayo Clinic Laboratories, Mayo Clinic).

NM_005411.5(SFTPA1):c.148C>G (p.Leu50Val)

Gene: SFTPA1 (surfactant protein A1; plus strand). Cytogenetic location: 10q22.3.
Variant type: single nucleotide variant.
Coding change: c.148C>G on transcript NM_005411.5 (MANE Select); coding-DNA position 148, C replaced by G.
Protein change: p.Leu50Val; replaces leucine 50 with valine.
Molecular consequence: missense variant. On other transcripts: intron variant (2).
Genome position (GRCh38, 1-based): chr10:79,611,973, C>G. VCF-style: chr10-79611973-C-G. GRCh37 (hg19) VCF-style: chr10-81371729-C-G.
Other names: c.193C>G, p.Leu65Val (NM_001093770.3); c.148C>G, p.Leu50Val (NM_001164644.2, NM_001164647.1); c.85+63C>G (NM_001164646.2); c.130+63C>G (NM_001164645.2); short protein forms L50V, L65V.
Identifiers: ClinVar variation 227062 (VCV000227062.15), dbSNP rs1136450, ClinGen allele CA5574397.